The following is an entry in ClinVar:

ClinVar aggregate classification (germline): Uncertain significance (1 of 4 stars; one submission).

Conditions:
Long QT syndrome 6 (LQT6). Identifiers: Orphanet 101016, Orphanet 768, MedGen C3150953, MONDO:0013370, OMIM 613693.

Submission:

Labcorp Genetics (formerly Invitae), Labcorp
Classification: Uncertain significance for Long QT syndrome 6. Last evaluated: 2024-06-04. Review status: criteria provided, single submitter. Criteria: Invitae Variant Classification Sherloc (09022015). Collection method: clinical testing. Allele origin: germline.
Comment: This sequence change replaces asparagine, which is neutral and polar, with tyrosine, which is neutral and polar, at codon 25 of the KCNE2 protein (p.Asn25Tyr). This variant is not present in population databases (gnomAD no frequency). This variant has not been reported in the literature in individuals affected with KCNE2-related conditions. An algorithm developed to predict the effect of missense changes on protein structure and function (PolyPhen-2) suggests that this variant is likely to be disruptive. In summary, the available evidence is currently insufficient to determine the role of this variant in disease. Therefore, it has been classified as a Variant of Uncertain Significance.

NM_172201.2(KCNE2):c.73A>T (p.Asn25Tyr)

Genes: KCNE2 (potassium voltage-gated channel subfamily E regulatory subunit 2; plus strand), LOC105372791 (uncharacterized LOC105372791; minus strand). Cytogenetic location: 21q22.11.
Variant type: single nucleotide variant.
Coding change: c.73A>T on transcript NM_172201.2 (MANE Select); coding-DNA position 73, A replaced by T.
Protein change: p.Asn25Tyr; replaces asparagine 25 with tyrosine.
Molecular consequence: missense variant. On other transcripts: non-coding transcript variant (2).
Genome position (GRCh38, 1-based): chr21:34,370,551, A>T. VCF-style: chr21-34370551-A-T. GRCh37 (hg19) VCF-style: chr21-35742850-A-T.
Other names: short protein forms N25Y.
Identifiers: ClinVar variation 3607000 (VCV003607000.2).